The following is an entry in ClinVar:

ClinVar aggregate classification (germline): Likely benign. Review status: criteria provided, multiple submitters, no conflicts (2 of 4 stars). 2 submissions from 2 submitters: Likely benign (2). Last evaluated 2025-02-24.

Conditions:
DYRK1A-related intellectual disability syndrome (MRD7). Also called: DYRK1A Syndrome; Intellectual developmental disorder, autosomal dominant 7. Identifiers: Orphanet 464306, MedGen C5568143, MONDO:0013578, OMIM 614104.

Allele frequency attached by ClinVar (database versions not stated): gnomAD exomes below 0.00001; gnomAD 0.00001; TOPMed 0.00002.
gnomAD v4.1: 39 of 1,614,086 alleles (0.0024%); highest among the groups gnomAD compares: Non-Finnish European, 0.0031%; no homozygotes.

Submissions (2):

Labcorp Genetics (formerly Invitae), Labcorp
Classification: Likely benign for DYRK1A-related intellectual disability syndrome. Last evaluated: 2025-02-24. Review status: criteria provided, single submitter. Criteria: Invitae Variant Classification Sherloc (09022015). Collection method: clinical testing. Allele origin: germline.

GeneDx
Classification: Likely benign. Last evaluated: 2017-08-17. Review status: criteria provided, single submitter. Criteria: GeneDx Variant Classification (06012015). Collection method: clinical testing. Allele origin: germline. Affected: yes.
Comment: This variant is considered likely benign or benign based on one or more of the following criteria: it is a conservative change, it occurs at a poorly conserved position in the protein, it is predicted to be benign by multiple in silico algorithms, and/or has population frequency not consistent with disease.

NM_001347721.2(DYRK1A):c.2082C>T (p.Thr694=)

Gene: DYRK1A (dual specificity tyrosine phosphorylation regulated kinase 1A; plus strand). Cytogenetic location: 21q22.13.
Variant type: single nucleotide variant.
Coding change: c.2082C>T on transcript NM_001347721.2 (MANE Select); coding-DNA position 2082, C replaced by T.
Protein change: p.Thr694=; no amino-acid change (threonine 694 retained).
Molecular consequence: synonymous variant. On other transcripts: 3 prime UTR variant (2).
Genome position (GRCh38, 1-based): chr21:37,512,348, C>T. VCF-style: chr21-37512348-C-T. GRCh37 (hg19) VCF-style: chr21-38884651-C-T.
Other names: c.2082C>T, p.Thr694= (NM_001347722.2, NM_130436.2); c.1995C>T, p.Thr665= (NM_001347723.2); c.2109C>T, p.Thr703= (NM_001396.5); c.*485C>T (NM_101395.2); c.*394C>T (NM_130438.2).
Identifiers: ClinVar variation 511562 (VCV000511562.9), dbSNP rs750035013, ClinGen allele CA320469950.